The following is an entry in ClinVar:

ClinVar aggregate classification (germline): Uncertain significance (1 of 4 stars; one submission).

Conditions:
Combined oxidative phosphorylation defect type 17. Also called: Combined oxidative phosphorylation deficiency 17. Identifiers: Orphanet 369913, MedGen C3809526, MONDO:0014190, OMIM 615440.

Submissions (2):

Labcorp Genetics (formerly Invitae), Labcorp
Classification: Uncertain significance for Combined oxidative phosphorylation defect type 17. Last evaluated: 2021-12-22. Review status: criteria provided, single submitter. Criteria: Invitae Variant Classification Sherloc (09022015). Collection method: clinical testing. Allele origin: germline.
Comment: In summary, the available evidence is currently insufficient to determine the role of this variant in disease. Therefore, it has been classified as a Variant of Uncertain Significance. Variants that disrupt the consensus splice site are a relatively common cause of aberrant splicing (PMID: 17576681, 9536098). Algorithms developed to predict the effect of sequence changes on RNA splicing suggest that this variant may disrupt the consensus splice site. This variant has not been reported in the literature in individuals affected with ELAC2-related conditions. This variant is present in population databases (rs200420215, gnomAD 0.0009%). This sequence change affects codon 553 of the ELAC2 mRNA. It is a 'silent' change, meaning that it does not change the encoded amino acid sequence of the ELAC2 protein. This variant also falls at the last nucleotide of exon 17, which is part of the consensus splice site for this exon.

Dr. Peter K. Rogan Lab, Western University
No classification provided (evidence only). Condition: Ovarian serous cystadenocarcinoma. Review status: no classification provided. Collection method: in vitro. Allele origin: not applicable. Functional consequence: retained intron. Not counted in ClinVar's aggregate classification.

Literature cited by the submitters: PubMed 17576681 (cited by Labcorp Genetics (formerly Invitae), Labcorp); PubMed 9536098 (cited by Labcorp Genetics (formerly Invitae), Labcorp).

NM_018127.7(ELAC2):c.1659G>C (p.Thr553=)

Gene: ELAC2 (elaC ribonuclease Z 2; minus strand). Cytogenetic location: 17p12.
Variant type: single nucleotide variant.
Coding change: c.1659G>C on transcript NM_018127.7 (MANE Select); coding-DNA position 1659, G replaced by C.
Protein change: p.Thr553=; no amino-acid change (threonine 553 retained).
Molecular consequence: synonymous variant.
Genome position (GRCh38, 1-based): chr17:12,996,547, C>G on the plus strand (G>C on the coding strand, the complement: ELAC2 is on the minus strand). VCF-style: chr17-12996547-C-G. GRCh37 (hg19) VCF-style: chr17-12899864-C-G.
Other names: c.1539G>C, p.Thr513= (NM_001165962.2); c.1656G>C, p.Thr552= (NM_173717.2).
Identifiers: ClinVar variation 2052804 (VCV002052804.5), dbSNP rs200420215, ClinGen allele CA8401131.